The following is an entry in ClinVar:

NM_000553.6(WRN):c.1922T>A (p.Val641Glu)

Gene: WRN (WRN RecQ like helicase; plus strand). Cytogenetic location: 8p12.
Variant type: single nucleotide variant.
Coding change: c.1922T>A on transcript NM_000553.6 (MANE Select); coding-DNA position 1922, T replaced by A.
Protein change: p.Val641Glu; replaces valine 641 with glutamic acid.
Molecular consequence: missense variant.
Genome position (GRCh38, 1-based): chr8:31,096,791, T>A. VCF-style: chr8-31096791-T-A. GRCh37 (hg19) VCF-style: chr8-30954307-T-A.
Other names: short protein forms V641E.
Identifiers: ClinVar variation 404015 (VCV000404015.3), dbSNP rs1060500069, ClinGen allele CA16612488.

ClinVar aggregate classification (germline): Uncertain significance (1 of 4 stars; one submission).

Conditions:
Werner syndrome (WRN). Identifiers: Orphanet 902, MedGen C0043119, MONDO:0010196, OMIM 277700.

Allele frequency attached by ClinVar (database versions not stated): gnomAD exomes below 0.00001.
gnomAD v4.1: 2 of 1,612,834 alleles (0.00012%); highest among the groups gnomAD compares: African/African-American, 0.0027%; no homozygotes.

Submission:

Labcorp Genetics (formerly Invitae), Labcorp
Classification: Uncertain significance for Werner syndrome. Last evaluated: 2016-07-13. Review status: criteria provided, single submitter. Criteria: Invitae Variant Classification Sherloc (09022015). Collection method: clinical testing. Allele origin: germline.
Comment: This sequence change replaces valine with glutamic acid at codon 641 of the WRN protein (p.Val641Glu). The valine residue is weakly conserved and there is a moderate physicochemical difference between valine and glutamic acid. This variant is not present in population databases (ExAC no frequency) and has not been reported in the literature in individuals with a WRN-related disease. Algorithms developed to predict the effect of missense changes on protein structure and function do not agree on the potential impact of this missense change (SIFT: "Deleterious"; PolyPhen-2: "Benign"; Align-GVGD: "C25"). In summary, this variant is a novel missense change with uncertain impact on protein function. Therefore, it has been classified as a Variant of Uncertain Significance.